The following is an entry in ClinVar:

NM_004963.4(GUCY2C):c.1562A>G (p.Asn521Ser)

Gene: GUCY2C (guanylate cyclase 2C; minus strand). Cytogenetic location: 12p12.3.
Variant type: single nucleotide variant.
Coding change: c.1562A>G on transcript NM_004963.4 (MANE Select); coding-DNA position 1562, A replaced by G.
Protein change: p.Asn521Ser; replaces asparagine 521 with serine.
Molecular consequence: missense variant.
Genome position (GRCh38, 1-based): chr12:14,652,002, T>C on the plus strand (A>G on the coding strand, the complement: GUCY2C is on the minus strand). VCF-style: chr12-14652002-T-C. GRCh37 (hg19) VCF-style: chr12-14804936-T-C.
Other names: c.1562A>G (NM_004963.3); short protein forms N521S.
Identifiers: ClinVar variation 1341819 (VCV001341819.10), dbSNP rs143367522, ClinGen allele CA6463366.

ClinVar aggregate classification (germline): Uncertain significance. Review status: criteria provided, multiple submitters, no conflicts (2 of 4 stars). 3 submissions from 3 submitters: Uncertain significance (3). Last evaluated 2025-10-15.

Conditions:
Inborn genetic diseases. Identifiers: MedGen C0950123, MeSH D030342.
Congenital diarrhea 6. Identifiers: Orphanet 314373, MedGen C3553270, MONDO:0013825, OMIM 614616.
Meconium ileus. Identifiers: Orphanet 314376, MedGen C2939175, MONDO:0054868, HP:0004401.

Allele frequency attached by ClinVar (database versions not stated): gnomAD exomes 0.00003 and 0.00008; ExAC 0.00013; ESP Exome Variant Server 0.00038; gnomAD 0.00044 and 0.00048; 1000 Genomes Project 30x 0.00047; TOPMed 0.00051; 1000 Genomes Project 0.00060.
gnomAD v4.1: 116 of 1,603,916 alleles (0.0072%); highest among the groups gnomAD compares: African/African-American, 0.14%; no homozygotes.

Submissions (3):

Labcorp Genetics (formerly Invitae), Labcorp
Classification: Uncertain significance. Last evaluated: 2025-10-15. Review status: criteria provided, single submitter. Criteria: Invitae Variant Classification Sherloc (09022015). Collection method: clinical testing. Allele origin: germline.
Comment: This sequence change replaces asparagine, which is neutral and polar, with serine, which is neutral and polar, at codon 521 of the GUCY2C protein (p.Asn521Ser). This variant is present in population databases (rs143367522, gnomAD 0.1%). This variant has not been reported in the literature in individuals affected with GUCY2C-related conditions. ClinVar contains an entry for this variant (Variation ID: 1341819). Invitae Evidence Modeling of protein sequence and biophysical properties (such as structural, functional, and spatial information, amino acid conservation, physicochemical variation, residue mobility, and thermodynamic stability) indicates that this missense variant is not expected to disrupt GUCY2C protein function with a negative predictive value of 80%. In summary, the available evidence is currently insufficient to determine the role of this variant in disease. Therefore, it has been classified as a Variant of Uncertain Significance.

Ambry Genetics
Classification: Uncertain significance for Inborn genetic diseases. Last evaluated: 2025-03-26. Review status: criteria provided, single submitter. Criteria: Ambry Variant Classification Scheme 2023. Collection method: clinical testing. Allele origin: germline.

New York Genome Center
Classification: Uncertain significance for Congenital diarrhea 6. Last evaluated: 2021-02-05. Review status: criteria provided, single submitter. Criteria: NYGC Assertion Criteria 2020. Collection method: clinical testing. Allele origin: germline. Observed: 1 heterozygote. Study: CSER-NYCKidSeq.